The following is an entry in ClinVar:

NM_024589.3(ROGDI):c.829G>C (p.Val277Leu)

Gene: ROGDI (rogdi atypical leucine zipper; minus strand). Cytogenetic location: 16p13.3.
Variant type: single nucleotide variant.
Coding change: c.829G>C on transcript NM_024589.3 (MANE Select); coding-DNA position 829, G replaced by C.
Protein change: p.Val277Leu; replaces valine 277 with leucine.
Molecular consequence: missense variant. On other transcripts: non-coding transcript variant (1).
Genome position (GRCh38, 1-based): chr16:4,797,495, C>G on the plus strand (G>C on the coding strand, the complement: ROGDI is on the minus strand). VCF-style: chr16-4797495-C-G. GRCh37 (hg19) VCF-style: chr16-4847496-C-G.
Other names: short protein forms V277L.
Identifiers: ClinVar variation 1471327 (VCV001471327.8), dbSNP rs759234056, ClinGen allele CA394647469.

ClinVar aggregate classification (germline): Uncertain significance (1 of 4 stars; one submission).

Conditions:
Amelocerebrohypohidrotic syndrome (KTZS). Also called: Kohlschutter's syndrome; EPILEPSY AND YELLOW TEETH; EPILEPSY, DEMENTIA, AND AMELOGENESIS IMPERFECTA; KOHLSCHUTTER SYNDROME. Identifiers: Orphanet 1946, MedGen C0406740, MONDO:0009185, OMIM 226750.

Submission:

Labcorp Genetics (formerly Invitae), Labcorp
Classification: Uncertain significance for Amelocerebrohypohidrotic syndrome. Last evaluated: 2021-05-03. Review status: criteria provided, single submitter. Criteria: Invitae Variant Classification Sherloc (09022015). Collection method: clinical testing. Allele origin: germline.
Comment: This variant has not been reported in the literature in individuals with ROGDI-related conditions. In summary, the available evidence is currently insufficient to determine the role of this variant in disease. Therefore, it has been classified as a Variant of Uncertain Significance. Algorithms developed to predict the effect of missense changes on protein structure and function are either unavailable or do not agree on the potential impact of this missense change (SIFT: "Tolerated"; PolyPhen-2: "Possibly Damaging"; Align-GVGD: "Class C0"). This variant is not present in population databases (ExAC no frequency). This sequence change replaces valine with leucine at codon 277 of the ROGDI protein (p.Val277Leu). The valine residue is highly conserved and there is a small physicochemical difference between valine and leucine.